The following is an entry in ClinVar:

NM_002755.4(MAP2K1):c.308T>G (p.Ile103Ser)

Gene: MAP2K1 (mitogen-activated protein kinase kinase 1; plus strand). Cytogenetic location: 15q22.31.
Variant type: single nucleotide variant.
Coding change: c.308T>G on transcript NM_002755.4 (MANE Select); coding-DNA position 308, T replaced by G.
Protein change: p.Ile103Ser; replaces isoleucine 103 with serine.
Molecular consequence: missense variant.
Genome position (GRCh38, 1-based): chr15:66,436,762, T>G. VCF-style: chr15-66436762-T-G. GRCh37 (hg19) VCF-style: chr15-66729100-T-G.
Other names: p.I103S:ATC>AGC; short protein forms I103S.
Identifiers: ClinVar variation 40785 (VCV000040785.2), dbSNP rs730880502, ClinGen allele CA296109.

ClinVar aggregate classification (germline): Uncertain significance (1 of 4 stars; one submission).

Submission:

GeneDx
Classification: Uncertain significance. Last evaluated: 2012-07-19. Review status: criteria provided, single submitter. Criteria: GeneDx Variant Classification (06012015). Collection method: clinical testing. Allele origin: germline. Affected: yes.
Comment: The I103S missense substitution has not been published as a mutation, nor has it been reported as a benign polymorphism to our knowledge. I103S is considered a non-conservative amino acid substitution as a non-polar isoleucine residue is replaced with a polar Serine residue. Additionally, the NHLBI ESP Exome Variant Server reports I103S was not observed in approximately 6000 control samples from individuals of European and African American backgrounds indicating it is not a common benign variant in these populations. However, I103S occurs at a position that is not highly conserved in this protein or across species. Therefore, this result cannot be interpreted for diagnosis or used for genetic counseling without further studies. The variant is found in NOONAN panel(s).